The following is an entry in ClinVar:

NM_001843.4(CNTN1):c.1963+237A>G

Gene: CNTN1 (contactin 1; plus strand). Cytogenetic location: 12q12.
Variant type: single nucleotide variant.
Coding change: c.1963+237A>G on transcript NM_001843.4 (MANE Select); 237 bases into the intron after coding-DNA position 1963, A replaced by G.
Molecular consequence: intron variant.
Genome position (GRCh38, 1-based): chr12:40,981,304, A>G. VCF-style: chr12-40981304-A-G. GRCh37 (hg19) VCF-style: chr12-41375106-A-G.
Other names: c.1930+237A>G (NM_175038.2).
Identifiers: ClinVar variation 679161 (VCV000679161.1), dbSNP rs11179300, ClinGen allele CA235943725.

ClinVar aggregate classification (germline): Benign (1 of 4 stars; one submission).

Allele frequency attached by ClinVar (database versions not stated): 1000 Genomes Project 0.08646; TOPMed 0.11565; gnomAD 0.11748 and 0.12019.
gnomAD v4.1: 17,842 of 152,136 alleles (12%); highest among the groups gnomAD compares: Non-Finnish European, 12%; 1,093 homozygotes.

Submission:

GeneDx
Classification: Benign. Last evaluated: 2018-06-16. Review status: criteria provided, single submitter. Criteria: GeneDx Variant Classification (06012015). Collection method: clinical testing. Allele origin: germline. Affected: yes.
Comment: This variant is considered likely benign or benign based on one or more of the following criteria: it is a conservative change, it occurs at a poorly conserved position in the protein, it is predicted to be benign by multiple in silico algorithms, and/or has population frequency not consistent with disease.